The following is an entry in ClinVar:

ClinVar aggregate classification (germline): Likely benign. Review status: criteria provided, multiple submitters, no conflicts (2 of 4 stars). 3 submissions from 3 submitters: Likely benign (3). Last evaluated 2025-03-27.

Conditions:
COG8-congenital disorder of glycosylation. Also called: CDG IIh; COG8-CDG. Identifiers: Orphanet 95428, MedGen C1970021, MONDO:0012635, OMIM 611182.

Allele frequency attached by ClinVar (database versions not stated): gnomAD exomes 0.00003; TOPMed 0.00028; gnomAD 0.00029.
gnomAD v4.1: 62 of 1,538,370 alleles (0.004%); highest among the groups gnomAD compares: African/African-American, 0.063%; 1 homozygote.

Submissions (3):

Labcorp Genetics (formerly Invitae), Labcorp
Classification: Likely benign for COG8-congenital disorder of glycosylation. Last evaluated: 2025-03-27. Review status: criteria provided, single submitter. Criteria: Invitae Variant Classification Sherloc (09022015). Collection method: clinical testing. Allele origin: germline.

Blueprint Genetics
Classification: Likely benign. Last evaluated: 2023-09-07. Review status: criteria provided, single submitter. Criteria: ACMG Guidelines, 2015. Collection method: clinical testing. Allele origin: germline.

GeneDx
Classification: Likely benign. Last evaluated: 2017-05-22. Review status: criteria provided, single submitter. Criteria: GeneDx Variant Classification (06012015). Collection method: clinical testing. Allele origin: germline. Affected: yes.
Comment: This variant is considered likely benign or benign based on one or more of the following criteria: it is a conservative change, it occurs at a poorly conserved position in the protein, it is predicted to be benign by multiple in silico algorithms, and/or has population frequency not consistent with disease.

NM_032382.5(COG8):c.1833G>T (p.Gly611=)

Genes: COG8 (component of oligomeric golgi complex 8; minus strand), LOC130059304 (ATAC-STARR-seq lymphoblastoid silent region 7657; plus strand). Cytogenetic location: 16q22.1.
Variant type: single nucleotide variant.
Coding change: c.1833G>T on transcript NM_032382.5 (MANE Select); coding-DNA position 1833, G replaced by T.
Protein change: p.Gly611=; no amino-acid change (glycine 611 retained).
Molecular consequence: synonymous variant. On other transcripts: intron variant (3).
Genome position (GRCh38, 1-based): chr16:69,330,845, C>A on the plus strand (G>T on the coding strand, the complement: COG8 is on the minus strand). VCF-style: chr16-69330845-C-A. GRCh37 (hg19) VCF-style: chr16-69364748-C-A.
Other names: c.1974G>T, p.Gly658= (NM_001379261.1); c.1872G>T, p.Gly624= (NM_001379263.1); c.1833G>T, p.Gly611= (NM_001379264.1); c.1414-1666G>T (NM_001379266.1); c.1583-1666G>T (NM_001379265.1); c.1759+74G>T (NM_001379262.1).
Identifiers: ClinVar variation 509449 (VCV000509449.4), dbSNP rs946928494, ClinGen allele CA283353094.